The following is an entry in ClinVar:

NM_000518.5(HBB):c.299_315dup (p.Leu106fs)

Genes: HBB (hemoglobin subunit beta; minus strand), LOC106099062 (HBB recombination region; plus strand), LOC107133510 (origin of replication at HBB; plus strand), LOC110006319 (beta-globin gene 3' regulatory region; plus strand). Cytogenetic location: 11p15.4.
Variant type: Duplication.
Coding change: c.299_315dup on transcript NM_000518.5 (MANE Select); coding-DNA positions 299 to 315, 17 bases duplicated (ATCCTGAGAACTTCAGG).
Protein change: p.Leu106fs; shifts the reading frame from leucine 106.
Molecular consequence: frameshift variant.
Genome position (GRCh38, 1-based): chr11:5,226,577-5,226,593, CCTGAAGTTCTCAGGAT duplicated on the plus strand (ATCCTGAGAACTTCAGG on the coding strand, the reverse complement: HBB is on the minus strand); duplicating any 17 consecutive bases within chr11:5,226,577-5,226,595 gives the same sequence; the c. name uses the placement nearest the transcript's 3' end. VCF-style (leftmost placement, unchanged base first): chr11-5226576-C-CCCTGAAGTTCTCAGGAT. GRCh37 (hg19) VCF-style: chr11-5247806-C-CCCTGAAGTTCTCAGGAT.
Other names: HBB:c.297_313dupGGATCCTGAGAACTTCA; c.297_313dupGGATCCTGAGAACTTCA (NM_000518.5); short protein forms L106fs.
Identifiers: ClinVar variation 3781330 (VCV003781330.1).

ClinVar aggregate classification (germline): Pathogenic (0 of 4 stars; one submission).

Conditions:
Beta-thalassemia HBB/LCRB. Identifiers: MedGen CN322236, MONDO:0013517, OMIM 613985.

Submission:

Precision Medicine Lab Center, Yangjiang People's Hospital
Classification: Pathogenic for Beta-thalassemia HBB/LCRB. Last evaluated: 2025-04-03. Review status: no assertion criteria provided. Collection method: clinical testing. Allele origin: germline. Inheritance: Autosomal recessive inheritance. Affected: yes. Observed: 1 heterozygote.
Comment: The HBB:c.297_313dupGGATCCTGAGAACTTCA variant is a frameshift mutation involving the duplication of 17 base pairs (GGATCCTGAGAACTTCA) in the exonic region (positions 297–313) of the HBB gene. This results in abnormal translation after codon 105 and the loss of the original termination codon, leading to an extension of the polypeptide chain by 16 amino acids. The elongated protein is prone to degradation, thereby compromising its functional integrity. This variant is not documented in population databases of normal individuals and has not been previously reported in the literature. Based on the above evidence, this variant is classified as pathogenic (disease-causing) according to ACMG guidelines.